The following is an entry in ClinVar:

ClinVar aggregate classification (germline): Uncertain significance. Review status: criteria provided, multiple submitters, no conflicts (2 of 4 stars). 3 submissions from 3 submitters: Uncertain significance (3). Last evaluated 2022-03-31.

Conditions:
Peripheral neuropathy-myopathy-hoarseness-hearing loss syndrome. Identifiers: Orphanet 397744, MedGen C3280556, MONDO:0013711, OMIM 614369.
Inborn genetic diseases. Identifiers: MedGen C0950123, MeSH D030342.
Autosomal dominant nonsyndromic hearing loss 4A. Also called: Deafness, autosomal dominant 4A. Identifiers: Orphanet 90635, MedGen C1833503, MONDO:0010915, OMIM 600652.

Submissions (3):

Ambry Genetics
Classification: Uncertain significance for Inborn genetic diseases. Last evaluated: 2022-03-31. Review status: criteria provided, single submitter. Criteria: Ambry Variant Classification Scheme 2023. Collection method: clinical testing. Allele origin: germline.

Dubai Health Genomic Medicine Center, Dubai Health
Classification: Uncertain significance for Autosomal dominant nonsyndromic hearing loss 4A. Last evaluated: 2020-02-11. Review status: criteria provided, single submitter. Criteria: ACMG Guidelines, 2015. Collection method: clinical testing. Allele origin: germline. Affected: yes.

Centre for Mendelian Genomics, University Medical Centre Ljubljana
Classification: Uncertain significance for Peripheral neuropathy-myopathy-hoarseness-hearing loss syndrome. Last evaluated: 2019-07-23. Review status: criteria provided, single submitter. Criteria: ACMG Guidelines, 2015. Collection method: clinical testing. Allele origin: unknown. Affected: yes.
Comment: This variant was classified as: Uncertain significance. The available evidence on this variant's pathogenicity is insufficient or conflicting. The following ACMG criteria were applied in classifying this variant: PM2.

NM_001145809.2(MYH14):c.6101A>C (p.His2034Pro)

Gene: MYH14 (myosin heavy chain 14; plus strand). Cytogenetic location: 19q13.33.
Variant type: single nucleotide variant.
Coding change: c.6101A>C on transcript NM_001145809.2 (MANE Select); coding-DNA position 6101, A replaced by C.
Protein change: p.His2034Pro; replaces histidine 2034 with proline.
Molecular consequence: missense variant.
Genome position (GRCh38, 1-based): chr19:50,309,780, A>C. VCF-style: chr19-50309780-A-C. GRCh37 (hg19) VCF-style: chr19-50813037-A-C.
Other names: c.6002A>C, p.His2001Pro (NM_001077186.2); c.5978A>C, p.His1993Pro (NM_024729.4); short protein forms H2034P, H2001P, H1993P.
Identifiers: ClinVar variation 931550 (VCV000931550.6), dbSNP rs1215273187, ClinGen allele CA406966474.